The following is an entry in ClinVar:

NM_004360.5(CDH1):c.388-17A>G

Gene: CDH1 (cadherin 1; plus strand). Cytogenetic location: 16q22.1.
Variant type: single nucleotide variant.
Coding change: c.388-17A>G on transcript NM_004360.5 (MANE Select); 17 bases into the intron before coding-DNA position 388, A replaced by G.
Molecular consequence: intron variant.
Genome position (GRCh38, 1-based): chr16:68,808,407, A>G. VCF-style: chr16-68808407-A-G. GRCh37 (hg19) VCF-style: chr16-68842310-A-G.
Other names: c.-1228-17A>G (NM_001317185.2); c.-1432-17A>G (NM_001317186.2); c.388-17A>G (NM_001317184.2).
Identifiers: ClinVar variation 1621736 (VCV001621736.9), dbSNP rs571617503, ClinGen allele CA283296757.

ClinVar aggregate classification (germline): Benign/Likely benign. Review status: criteria provided, multiple submitters, no conflicts (2 of 4 stars). 2 submissions from 2 submitters: Benign (1); Likely benign (1). Last evaluated 2025-12-08.

Conditions:
Hereditary diffuse gastric adenocarcinoma (HDGC). Also called: DIFFUSE GASTRIC AND LOBULAR BREAST CANCER SYNDROME. Identifiers: Orphanet 26106, MedGen C1708349, MONDO:0007648, OMIM 137215.

Allele frequency attached by ClinVar (database versions not stated): TOPMed below 0.00001; gnomAD 0.00001; gnomAD exomes 0.00001.
gnomAD v4.1: 16 of 1,613,948 alleles (0.00099%); highest among the groups gnomAD compares: African/African-American, 0.0093%; no homozygotes.

Submissions (2):

Labcorp Genetics (formerly Invitae), Labcorp
Classification: Likely benign for Hereditary diffuse gastric adenocarcinoma. Last evaluated: 2025-12-08. Review status: criteria provided, single submitter. Criteria: Invitae Variant Classification Sherloc (09022015). Collection method: clinical testing. Allele origin: germline.

Myriad Genetics, Inc.
Classification: Benign for Hereditary diffuse gastric adenocarcinoma. Last evaluated: 2024-09-12. Review status: criteria provided, single submitter. Criteria: Myriad Autosomal Dominant, Autosomal Recessive and X-Linked Classification Criteria (2023). Collection method: clinical testing. Allele origin: unknown.
Comment: This variant is considered benign. This variant is intronic and is not expected to impact mRNA splicing. Homozygosity has been confirmed in one or more individuals. As homozygosity for pathogenic variants in this gene is generally assumed to result in embryonic lethality, this variant is unlikely to be pathogenic.